The following is an entry in ClinVar:

ClinVar aggregate classification (germline): Conflicting classifications of pathogenicity. Review status: criteria provided, conflicting classifications (1 of 4 stars). 2 submissions from 2 submitters: Uncertain significance (1); Likely benign (1). Last evaluated 2026-01-12.

Conditions:
Inborn genetic diseases. Identifiers: MedGen C0950123, MeSH D030342.

Allele frequency attached by ClinVar (database versions not stated): ExAC 0.00003; TOPMed 0.00004; gnomAD 0.00006.
gnomAD v4.1: 166 of 1,608,030 alleles (0.01%); highest among the groups gnomAD compares: Non-Finnish European, 0.014%; no homozygotes.

Submissions (2):

Labcorp Genetics (formerly Invitae), Labcorp
Classification: Uncertain significance. Last evaluated: 2026-01-12. Review status: criteria provided, single submitter. Criteria: Invitae Variant Classification Sherloc (09022015). Collection method: clinical testing. Allele origin: germline.
Comment: This sequence change replaces proline, which is neutral and non-polar, with alanine, which is neutral and non-polar, at codon 1373 of the AHDC1 protein (p.Pro1373Ala). This variant is present in population databases (rs748755041, gnomAD 0.01%). This variant has not been reported in the literature in individuals affected with AHDC1-related conditions. ClinVar contains an entry for this variant (Variation ID: 2148800). An algorithm developed to predict the effect of missense changes on protein structure and function outputs the following: PolyPhen-2: "Benign". The alanine amino acid residue is found in multiple mammalian species, which suggests that this missense change does not adversely affect protein function. In summary, the available evidence is currently insufficient to determine the role of this variant in disease. Therefore, it has been classified as a Variant of Uncertain Significance.

Ambry Genetics
Classification: Likely benign for Inborn genetic diseases. Last evaluated: 2024-04-19. Review status: criteria provided, single submitter. Criteria: Ambry Variant Classification Scheme 2023. Collection method: clinical testing. Allele origin: germline.

NM_001371928.1(AHDC1):c.4117C>G (p.Pro1373Ala)

Gene: AHDC1 (AT-hook DNA binding motif containing 1; minus strand). Cytogenetic location: 1p36.11.
Variant type: single nucleotide variant.
Coding change: c.4117C>G on transcript NM_001371928.1 (MANE Select); coding-DNA position 4117, C replaced by G.
Protein change: p.Pro1373Ala; replaces proline 1373 with alanine.
Molecular consequence: missense variant.
Genome position (GRCh38, 1-based): chr1:27,547,999, G>C on the plus strand (C>G on the coding strand, the complement: AHDC1 is on the minus strand). VCF-style: chr1-27547999-G-C. GRCh37 (hg19) VCF-style: chr1-27874510-G-C.
Other names: c.4117C>G, p.Pro1373Ala (NM_001029882.3); c.73C>G, p.Pro25Ala (NM_015699.1); c.4117C>G (NM_001029882.2); short protein forms P25A, P1373A.
Identifiers: ClinVar variation 2148800 (VCV002148800.5), dbSNP rs748755041, ClinGen allele CA715431.